The following is an entry in ClinVar:

ClinVar aggregate classification (germline): Benign. Review status: criteria provided, multiple submitters, no conflicts (2 of 4 stars). 5 submissions from 5 submitters: Benign (5). Last evaluated 2026-02-01.

Conditions:
Fleck corneal dystrophy (CFD). Also called: CORNEAL DYSTROPHY, FRANCOIS-NEETENS SPECKLED OR FLECKED. Identifiers: Orphanet 98970, MedGen C1562113, MONDO:0007376, OMIM 121850.

Allele frequency attached by ClinVar (database versions not stated): 1000 Genomes Project 30x 0.90943; 1000 Genomes Project 0.91114; TOPMed 0.92158; ESP Exome Variant Server 0.92188; gnomAD 0.92712 and 0.92908; ExAC 0.95961; gnomAD exomes 0.96444 and 0.97652.
gnomAD v4.1: 1,568,586 of 1,614,090 alleles (97%); highest among the groups gnomAD compares: Non-Finnish European, 98%; 763,677 homozygotes.

Submissions (5):

Labcorp Genetics (formerly Invitae), Labcorp
Classification: Benign. Last evaluated: 2026-02-01. Review status: criteria provided, single submitter. Criteria: Invitae Variant Classification Sherloc (09022015). Collection method: clinical testing. Allele origin: germline.

Genome-Nilou Lab
Classification: Benign for Fleck corneal dystrophy. Last evaluated: 2021-09-05. Review status: criteria provided, single submitter. Criteria: ACMG Guidelines, 2015. Collection method: clinical testing. Allele origin: germline. Affected: no.

GeneDx
Classification: Benign. Last evaluated: 2020-12-01. Review status: criteria provided, single submitter. Criteria: GeneDx Variant Classification Process June 2021. Collection method: clinical testing. Allele origin: germline. Affected: yes.

Illumina Laboratory Services, Illumina
Classification: Benign for Fleck corneal dystrophy. Last evaluated: 2018-01-13. Review status: criteria provided, single submitter. Criteria: ICSL Variant Classification Criteria 13 December 2019. Collection method: clinical testing. Allele origin: germline.
Comment: This variant was observed in the ICSL laboratory as part of a predisposition screen in an ostensibly healthy population. It had not been previously curated by ICSL or reported in the Human Gene Mutation Database (HGMD: prior to June 1st, 2018), and was therefore a candidate for classification through an automated scoring system. Utilizing variant allele frequency, disease prevalence and penetrance estimates, and inheritance mode, an automated score was calculated to assess if this variant is too frequent to cause the disease. Based on the score and internal cut-off values, a variant classified as benign is not then subjected to further curation. The score for this variant resulted in a classification of benign for this disease.

Breakthrough Genomics
Classification: Benign. Review status: criteria provided, single submitter. Criteria: ACMG Guidelines, 2015. Collection method: not provided. Allele origin: germline. Inheritance: Autosomal dominant inheritance. Affected: yes.

NM_015040.4(PIKFYVE):c.5526A>G (p.Glu1842=)

Gene: PIKFYVE (phosphoinositide kinase, FYVE-type zinc finger containing; plus strand). Cytogenetic location: 2q34.
Variant type: single nucleotide variant.
Coding change: c.5526A>G on transcript NM_015040.4 (MANE Select); coding-DNA position 5526, A replaced by G.
Protein change: p.Glu1842=; no amino-acid change (glutamic acid 1842 retained).
Molecular consequence: synonymous variant.
Genome position (GRCh38, 1-based): chr2:208,350,862, A>G. VCF-style: chr2-208350862-A-G. GRCh37 (hg19) VCF-style: chr2-209215586-A-G.
Identifiers: ClinVar variation 333934 (VCV000333934.18), dbSNP rs994697, ClinGen allele CA2080666.